The following is an entry in ClinVar:

NM_001204.7(BMPR2):c.2431G>A (p.Gly811Ser)

Gene: BMPR2 (bone morphogenetic protein receptor type 2; plus strand). Cytogenetic location: 2q33.2.
Variant type: single nucleotide variant.
Coding change: c.2431G>A on transcript NM_001204.7 (MANE Select); coding-DNA position 2431, G replaced by A.
Protein change: p.Gly811Ser; replaces glycine 811 with serine.
Molecular consequence: missense variant.
Genome position (GRCh38, 1-based): chr2:202,556,096, G>A. VCF-style: chr2-202556096-G-A. GRCh37 (hg19) VCF-style: chr2-203420819-G-A.
Other names: short protein forms G811S.
Identifiers: ClinVar variation 2914123 (VCV002914123.5), dbSNP rs778368162, ClinGen allele CA2061531.
Genomic context (GRCh38, chr2:202,556,096, plus strand): 5'-ATGAATACAATCAATGCAGCAGAACCTCATGTGGTGACAGTCACCATGAATGGTGTGGCA[G>A]GTAGAAACCACAGTGTTAACTCCCATGCTGCCACAACCCAATATGCCAATGGGACAGTAC-3'
Protein context (NP_001195.2, residues 801-821): VVTVTMNGVA[Gly811Ser]RNHSVNSHAA

ClinVar aggregate classification (germline): Uncertain significance. Review status: criteria provided, multiple submitters, no conflicts (2 of 4 stars). 3 submissions from 3 submitters: Uncertain significance (3). Last evaluated 2024-10-31.

Conditions:
Primary pulmonary hypertension. Also called: Idiopathic pulmonary hypertension. Identifiers: MedGen C0152171.
Inborn genetic diseases. Identifiers: MedGen C0950123, MeSH D030342.

Allele frequency attached by ClinVar (database versions not stated): ExAC 0.00001; gnomAD 0.00001; gnomAD exomes 0.00001.
gnomAD v4.1: 18 of 1,614,046 alleles (0.0011%); highest among the groups gnomAD compares: Non-Finnish European, 0.0015%; no homozygotes.

Submissions (3):

GeneDx
Classification: Uncertain significance. Last evaluated: 2024-10-31. Review status: criteria provided, single submitter. Criteria: GeneDx Variant Classification Process June 2021. Collection method: clinical testing. Allele origin: germline. Affected: yes.
Comment: Not observed at significant frequency in large population cohorts (gnomAD); In silico analysis indicates that this missense variant does not alter protein structure/function; Has not been previously published as pathogenic or benign to our knowledge

Ambry Genetics
Classification: Uncertain significance for Inborn genetic diseases. Last evaluated: 2024-10-02. Review status: criteria provided, single submitter. Criteria: Ambry Variant Classification Scheme 2023. Collection method: clinical testing. Allele origin: germline.
Comment: The p.G811S variant (also known as c.2431G>A), located in coding exon 12 of the BMPR2 gene, results from a G to A substitution at nucleotide position 2431. The glycine at codon 811 is replaced by serine, an amino acid with similar properties. This amino acid position is conserved. In addition, the in silico prediction for this alteration is inconclusive. Based on the available evidence, the clinical significance of this variant remains unclear.

Labcorp Genetics (formerly Invitae), Labcorp
Classification: Uncertain significance for Primary pulmonary hypertension. Last evaluated: 2023-05-30. Review status: criteria provided, single submitter. Criteria: Invitae Variant Classification Sherloc (09022015). Collection method: clinical testing. Allele origin: germline.
Comment: This sequence change replaces glycine, which is neutral and non-polar, with serine, which is neutral and polar, at codon 811 of the BMPR2 protein (p.Gly811Ser). This variant is present in population databases (rs778368162, gnomAD 0.0009%). This variant has not been reported in the literature in individuals affected with BMPR2-related conditions. Advanced modeling of protein sequence and biophysical properties (such as structural, functional, and spatial information, amino acid conservation, physicochemical variation, residue mobility, and thermodynamic stability) performed at Invitae indicates that this missense variant is not expected to disrupt BMPR2 protein function. In summary, the available evidence is currently insufficient to determine the role of this variant in disease. Therefore, it has been classified as a Variant of Uncertain Significance.